The following is an entry in ClinVar:

NM_001042681.2(RERE):c.3015C>T (p.Pro1005=)

Gene: RERE (arginine-glutamic acid dipeptide repeats; minus strand). Cytogenetic location: 1p36.23.
Variant type: single nucleotide variant.
Coding change: c.3015C>T on transcript NM_001042681.2 (MANE Select); coding-DNA position 3015, C replaced by T.
Protein change: p.Pro1005=; no amino-acid change (proline 1005 retained).
Molecular consequence: synonymous variant.
Genome position (GRCh38, 1-based): chr1:8,360,492, G>A on the plus strand (C>T on the coding strand, the complement: RERE is on the minus strand). VCF-style: chr1-8360492-G-A. GRCh37 (hg19) VCF-style: chr1-8420552-G-A.
Other names: c.1353C>T, p.Pro451= (NM_001042682.2); c.3015C>T, p.Pro1005= (NM_012102.4).
Identifiers: ClinVar variation 2638163 (VCV002638163.24), dbSNP rs201412477, ClinGen allele CA571261.

ClinVar aggregate classification (germline): Likely benign (1 of 4 stars; one submission).

Allele frequency attached by ClinVar (database versions not stated): 1000 Genomes Project 0.00040.
gnomAD v4.1: 114 of 1,364,570 alleles (0.0084%); highest among the groups gnomAD compares: African/African-American, 0.031%; no homozygotes.

Submission:

CeGaT Center for Human Genetics Tuebingen
Classification: Likely benign. Last evaluated: 2022-08-01. Review status: criteria provided, single submitter. Criteria: CeGaT Center For Human Genetics Tuebingen Variant Classification Criteria Version 2. Collection method: clinical testing. Allele origin: germline. Affected: yes. Observed: 1 variant allele.
Comment: RERE: BP4, BP7